The following is an entry in ClinVar:

NM_001008537.3(NEXMIF):c.4140G>T (p.Lys1380Asn)

Gene: NEXMIF (neurite extension and migration factor; minus strand). Cytogenetic location: Xq13.3.
Variant type: single nucleotide variant.
Coding change: c.4140G>T on transcript NM_001008537.3 (MANE Select); coding-DNA position 4140, G replaced by T.
Protein change: p.Lys1380Asn; replaces lysine 1380 with asparagine.
Molecular consequence: missense variant.
Genome position (GRCh38, 1-based): chrX:74,740,417, C>A on the plus strand (G>T on the coding strand, the complement: NEXMIF is on the minus strand). VCF-style: chrX-74740417-C-A. GRCh37 (hg19) VCF-style: chrX-73960252-C-A.
Other names: short protein forms K1380N.
Identifiers: ClinVar variation 1363768 (VCV001363768.8), dbSNP rs2080098467, ClinGen allele CA413663938.

ClinVar aggregate classification (germline): Uncertain significance (1 of 4 stars; one submission).

Submission:

Labcorp Genetics (formerly Invitae), Labcorp
Classification: Uncertain significance. Last evaluated: 2022-10-24. Review status: criteria provided, single submitter. Criteria: Invitae Variant Classification Sherloc (09022015). Collection method: clinical testing. Allele origin: germline.
Comment: This sequence change replaces lysine, which is basic and polar, with asparagine, which is neutral and polar, at codon 1380 of the NEXMIF protein (p.Lys1380Asn). This variant is not present in population databases (gnomAD no frequency). This variant has not been reported in the literature in individuals affected with NEXMIF-related conditions. ClinVar contains an entry for this variant (Variation ID: 1363768). Algorithms developed to predict the effect of missense changes on protein structure and function (SIFT, PolyPhen-2, Align-GVGD) all suggest that this variant is likely to be disruptive. In summary, the available evidence is currently insufficient to determine the role of this variant in disease. Therefore, it has been classified as a Variant of Uncertain Significance.